The following is an entry in ClinVar:

ClinVar aggregate classification (germline): Uncertain significance. Review status: criteria provided, multiple submitters, no conflicts (2 of 4 stars). 2 submissions from 2 submitters: Uncertain significance (2). Last evaluated 2025-06-11.

Conditions:
KIDINS220-related disorder. Also called: KIDINS220-related condition.

Allele frequency attached by ClinVar (database versions not stated): gnomAD 0.00001; gnomAD exomes 0.00001; ExAC 0.00004; TOPMed 0.00006; 1000 Genomes Project 0.00020; 1000 Genomes Project 30x 0.00031.

Submissions (2):

PreventionGenetics, part of Exact Sciences
Classification: Uncertain significance for KIDINS220-related condition. Last evaluated: 2025-06-11. Review status: criteria provided, single submitter. Criteria: ACMG Guidelines, 2015. Collection method: clinical testing. Allele origin: germline.
Comment: The KIDINS220 c.1375C>T variant is predicted to result in the amino acid substitution p.Pro459Ser. To our knowledge, this variant has not been reported in the literature. This variant is reported in 0.061% of alleles in individuals of East Asian descent in gnomAD. Although we suspect that this variant may be benign, at this time, the clinical significance of this variant is uncertain due to the absence of conclusive functional and genetic evidence.

Labcorp Genetics (formerly Invitae), Labcorp
Classification: Uncertain significance. Last evaluated: 2023-07-25. Review status: criteria provided, single submitter. Criteria: Invitae Variant Classification Sherloc (09022015). Collection method: clinical testing. Allele origin: germline.
Comment: This variant has not been reported in the literature in individuals affected with KIDINS220-related conditions. This sequence change replaces proline, which is neutral and non-polar, with serine, which is neutral and polar, at codon 459 of the KIDINS220 protein (p.Pro459Ser). This variant is present in population databases (rs192644124, gnomAD 0.06%). An algorithm developed to predict the effect of missense changes on protein structure and function (PolyPhen-2) suggests that this variant is likely to be disruptive. In summary, the available evidence is currently insufficient to determine the role of this variant in disease. Therefore, it has been classified as a Variant of Uncertain Significance.

NM_020738.4(KIDINS220):c.1375C>T (p.Pro459Ser)

Gene: KIDINS220 (kinase D interacting substrate 220; minus strand). Cytogenetic location: 2p25.1.
Variant type: single nucleotide variant.
Coding change: c.1375C>T on transcript NM_020738.4 (MANE Select); coding-DNA position 1375, C replaced by T.
Protein change: p.Pro459Ser; replaces proline 459 with serine.
Molecular consequence: missense variant. On other transcripts: non-coding transcript variant (2).
Genome position (GRCh38, 1-based): chr2:8,791,126, G>A on the plus strand (C>T on the coding strand, the complement: KIDINS220 is on the minus strand). VCF-style: chr2-8791126-G-A. GRCh37 (hg19) VCF-style: chr2-8931256-G-A.
Other names: c.1375C>T (NM_020738.2); c.1378C>T, p.Pro460Ser (NM_001348729.2, NM_001348731.2, NM_001348734.2 and 3 more transcripts); c.1375C>T, p.Pro459Ser (NM_001348732.2, NM_001348735.2, NM_001348738.2 and 3 more transcripts); c.1249C>T, p.Pro417Ser (NM_001348736.2); short protein forms P459S, P460S, P417S.
Identifiers: ClinVar variation 2720079 (VCV002720079.4), dbSNP rs192644124, ClinGen allele CA1520205.